The following is an entry in ClinVar:

ClinVar aggregate classification (germline): Pathogenic/Likely pathogenic. Review status: criteria provided, multiple submitters, no conflicts (2 of 4 stars). 4 submissions from 4 submitters: Pathogenic (1); Likely pathogenic (3). Last evaluated 2026-01-20.

Conditions:
Arthrogryposis multiplex congenita 6. Identifiers: MedGen C5543431, MONDO:0030281, OMIM 619334.
Nemaline myopathy 2 (NEM2). Also called: Nemaline myopathy 2, autosomal recessive. Identifiers: MedGen C1850569, MONDO:0009725, OMIM 256030.

Submissions (4):

Labcorp Genetics (formerly Invitae), Labcorp
Classification: Pathogenic for Nemaline myopathy 2. Last evaluated: 2026-01-20. Review status: criteria provided, single submitter. Criteria: Invitae Variant Classification Sherloc (09022015). Collection method: clinical testing. Allele origin: germline.
Comment: This sequence change creates a premature translational stop signal (p.Thr8272Argfs*36) in the NEB gene. It is expected to result in an absent or disrupted protein product. Loss-of-function variants in NEB are known to be pathogenic (PMID: 25205138). The frequency data for this variant in the population databases is considered unreliable, as metrics indicate poor data quality at this position in the gnomAD database. This variant has not been reported in the literature in individuals affected with NEB-related conditions. ClinVar contains an entry for this variant (Variation ID: 651749). For these reasons, this variant has been classified as Pathogenic.

Natera, Inc.
Classification: Likely pathogenic for Nemaline myopathy type 2. Last evaluated: 2025-11-07. Review status: criteria provided, single submitter. Criteria: Natera Variant Classification Schema (03/2026). Collection method: clinical testing. Allele origin: germline.
Comment: The c.24815_24836delCACCTGTTACTCCAGAGATGGA variant in NEB is a frameshift variant predicted to shift the reading frame beginning at codon 8272 and leads to a stop codon 36 codons downstream. This variant is expected to result in nonsense mediated decay, truncation, or a dysfunctional protein product. This variant is rare in the general population with a frequency below the threshold expected for the associated phenotype(s). Given the available evidence, this variant is classified as Likely Pathogenic.

Baylor Genetics
Classification: Likely pathogenic for Arthrogryposis multiplex congenita 6. Last evaluated: 2024-02-12. Review status: criteria provided, single submitter. Criteria: ACMG Guidelines, 2015. Collection method: clinical testing. Allele origin: unknown.

Revvity Omics, Revvity
Classification: Likely pathogenic. Last evaluated: 2023-11-06. Review status: criteria provided, single submitter. Criteria: ACMG Guidelines, 2015. Collection method: clinical testing. Allele origin: germline.

Literature cited by the submitters: PubMed 25205138 (cited by Labcorp Genetics (formerly Invitae), Labcorp).

NM_001164508.2(NEB):c.24710_24731del (p.Thr8237fs)

Genes: NEB (nebulin; minus strand), RIF1 (replication timing regulatory factor 1; plus strand). Cytogenetic location: 2q23.3.
Variant type: Deletion.
Coding change: c.24710_24731del on transcript NM_001164508.2 (MANE Select); coding-DNA positions 24710 to 24731, 22 bases deleted (CACCTGTTACTCCAGAGATGGA).
Protein change: p.Thr8237fs; shifts the reading frame from threonine 8237.
Molecular consequence: frameshift variant.
Genome position (GRCh38, 1-based): chr2:151,493,387-151,493,408, TCCATCTCTGGAGTAACAGGTG deleted on the plus strand (CACCTGTTACTCCAGAGATGGA on the coding strand, the reverse complement: NEB is on the minus strand); deleting any 22 consecutive bases within chr2:151,493,387-151,493,410 gives the same sequence; the c. name uses the placement nearest the transcript's 3' end. VCF-style (leftmost placement, unchanged base first): chr2-151493386-CTCCATCTCTGGAGTAACAGGTG-C. GRCh37 (hg19) VCF-style: chr2-152349900-CTCCATCTCTGGAGTAACAGGTG-C.
Other names: c.24815_24836delCACCTGTTACTCCAGAGATGGA (NM_001271208.1); c.24710_24731del, p.Thr8237fs (NM_001164507.2); c.24815_24836del, p.Thr8272fs (NM_001271208.2); c.19142_19163del, p.Thr6381fs (NM_004543.5); short protein forms T8237fs, T8272fs, T6381fs.
Identifiers: ClinVar variation 651749 (VCV000651749.10), dbSNP rs761067911, ClinGen allele CA1905938.